The following is an entry in ClinVar:

NM_025000.4(DCAF17):c.1320T>C (p.Ala440=)

Gene: DCAF17 (DDB1 and CUL4 associated factor 17; plus strand). Cytogenetic location: 2q31.1.
Variant type: single nucleotide variant.
Coding change: c.1320T>C on transcript NM_025000.4 (MANE Select); coding-DNA position 1320, T replaced by C.
Protein change: p.Ala440=; no amino-acid change (alanine 440 retained).
Molecular consequence: synonymous variant. On other transcripts: non-coding transcript variant (1).
Genome position (GRCh38, 1-based): chr2:171,480,091, T>C. VCF-style: chr2-171480091-T-C. GRCh37 (hg19) VCF-style: chr2-172336601-T-C.
Other names: p.Ala440=; c.1119T>C, p.Ala373= (NM_001164821.2).
Identifiers: ClinVar variation 128888 (VCV000128888.23), dbSNP rs3731980, ClinGen allele CA152555.

ClinVar aggregate classification (germline): Benign/Likely benign. Review status: criteria provided, multiple submitters, no conflicts (2 of 4 stars). 6 submissions from 6 submitters: Benign (4); Likely benign (1). 1 of the submissions does not count toward it. Last evaluated 2026-02-02.

Conditions:
Woodhouse-Sakati syndrome. Also called: Hypogonadism, diabetes mellitus, alopecia, mental retardation and electrocardiographic abnormalities; Hypogonadism, Alopecia, Diabetes Mellitus, Mental Retardation, and Extrapyramidal Syndrome; EXTRAPYRAMIDAL DISORDER, PROGRESSIVE, WITH PRIMARY HYPOGONADISM, MENTAL RETARDATION, AND ALOPECIA. Identifiers: Orphanet 3464, MedGen C0342286, MONDO:0009419, OMIM 241080.

Allele frequency attached by ClinVar (database versions not stated): ESP Exome Variant Server 0.00023; gnomAD 0.00143 and 0.00189; TOPMed 0.00166; ExAC 0.00266; gnomAD exomes 0.00279; 1000 Genomes Project 30x 0.00890; 1000 Genomes Project 0.00919.
gnomAD v4.1: 2,024 of 1,613,878 alleles (0.13%); highest among the groups gnomAD compares: East Asian, 3.3%; 61 homozygotes.

Submissions (6):

Labcorp Genetics (formerly Invitae), Labcorp
Classification: Benign for Woodhouse-Sakati syndrome. Last evaluated: 2026-02-02. Review status: criteria provided, single submitter. Criteria: Invitae Variant Classification Sherloc (09022015). Collection method: clinical testing. Allele origin: germline.

Mayo Clinic Laboratories, Mayo Clinic
Classification: Benign. Last evaluated: 2023-08-17. Review status: criteria provided, single submitter. Criteria: ACMG Guidelines, 2015. Collection method: clinical testing. Allele origin: germline. Observed: 7 variant alleles.
Comment: BA1, BS2, BP4

GeneDx
Classification: Likely benign. Last evaluated: 2020-09-09. Review status: criteria provided, single submitter. Criteria: GeneDx Variant Classification Process June 2021. Collection method: clinical testing. Allele origin: germline. Affected: yes.

Illumina Laboratory Services, Illumina
Classification: Benign for Woodhouse-Sakati syndrome. Last evaluated: 2018-01-13. Review status: criteria provided, single submitter. Criteria: ICSL Variant Classification Criteria 13 December 2019. Collection method: clinical testing. Allele origin: germline.
Comment: This variant was observed in the ICSL laboratory as part of a predisposition screen in an ostensibly healthy population. It had not been previously curated by ICSL or reported in the Human Gene Mutation Database (HGMD: prior to June 1st, 2018), and was therefore a candidate for classification through an automated scoring system. Utilizing variant allele frequency, disease prevalence and penetrance estimates, and inheritance mode, an automated score was calculated to assess if this variant is too frequent to cause the disease. Based on the score and internal cut-off values, a variant classified as benign is not then subjected to further curation. The score for this variant resulted in a classification of benign for this disease.

Clinical Genomics, Uppaluri K&H Personalized Medicine Clinic
Classification: Benign for Woodhouse-Sakati syndrome. Review status: criteria provided, single submitter. Criteria: K & H Uppaluri Personalized Medicine Clinic Variant Classification & Assertion Criteria_Updated V.1. Collection method: research. Allele origin: unknown. Inheritance: Autosomal recessive inheritance.
Comment: Mutations in DCAF17 have been associated with a rare syndrome called Woodhouse Sakati Syndrome, which can have diabetes mellitus as one of the presentations.However no sufficient evidence is found to ascertain the role of this particular variant rs3731980, yet.

Genetic Services Laboratory, University of Chicago
Classification: Likely benign for AllHighlyPenetrant. Review status: no assertion criteria provided. Collection method: clinical testing. Allele origin: germline. Inheritance: Autosomal recessive inheritance. Not counted in ClinVar's aggregate classification.
Comment: Likely benign based on allele frequency in 1000 Genomes Project or ESP global frequency and its presence in a patient with a rare or unrelated disease phenotype. NOT Sanger confirmed.

Literature cited by the submitters: PubMed 31347785 (cited by Clinical Genomics, Uppaluri K&H Personalized Medicine Clinic); PubMed 35876063 (cited by Clinical Genomics, Uppaluri K&H Personalized Medicine Clinic); PubMed 27489925 (cited by Clinical Genomics, Uppaluri K&H Personalized Medicine Clinic).